The following is an entry in ClinVar:

ClinVar aggregate classification (germline): Likely pathogenic (1 of 4 stars; one submission).

Conditions:
Hermansky-Pudlak syndrome 2 (HPS2). Also called: Platelet defects and oculocutaneous albinism. Identifiers: Orphanet 183678, Orphanet 79430, MedGen C1842362, MONDO:0011997, OMIM 608233.

Submission:

Labcorp Genetics (formerly Invitae), Labcorp
Classification: Likely pathogenic for Hermansky-Pudlak syndrome 2. Last evaluated: 2023-03-22. Review status: criteria provided, single submitter. Criteria: Invitae Variant Classification Sherloc (09022015). Collection method: clinical testing. Allele origin: germline.
Comment: In summary, the currently available evidence indicates that the variant is pathogenic, but additional data are needed to prove that conclusively. Therefore, this variant has been classified as Likely Pathogenic. Algorithms developed to predict the effect of sequence changes on RNA splicing suggest that this variant may disrupt the consensus splice site. This variant has not been reported in the literature in individuals affected with AP3B1-related conditions. This variant is not present in population databases (gnomAD no frequency). This sequence change affects an acceptor splice site in intron 1 of the AP3B1 gene. It is expected to disrupt RNA splicing. Variants that disrupt the donor or acceptor splice site typically lead to a loss of protein function (PMID: 16199547), and loss-of-function variants in AP3B1 are known to be pathogenic (PMID: 16507770, 23403622).

Literature cited by the submitters: PubMed 16199547; PubMed 16507770; PubMed 23403622.

NM_003664.5(AP3B1):c.129-1G>A

Gene: AP3B1 (adaptor related protein complex 3 subunit beta 1; minus strand). Cytogenetic location: 5q14.1.
Variant type: single nucleotide variant.
Coding change: c.129-1G>A on transcript NM_003664.5 (MANE Select); the canonical splice acceptor site of the intron before coding-DNA position 129, G replaced by A.
Molecular consequence: splice acceptor variant.
Genome position (GRCh38, 1-based): chr5:78,267,596, C>T on the plus strand (G>A on the coding strand, the complement: AP3B1 is on the minus strand). VCF-style: chr5-78267596-C-T. GRCh37 (hg19) VCF-style: chr5-77563420-C-T.
Other names: c.-19-1G>A (NM_001271769.2); c.129-1G>A (NM_001410752.1).
Identifiers: ClinVar variation 2848701 (VCV002848701.3), dbSNP rs1748378605, ClinGen allele CA360334196.